The following is an entry in ClinVar:

ClinVar aggregate classification (germline): Likely benign. Review status: criteria provided, single submitter (1 of 4 stars). 2 submissions from 2 submitters: Likely benign (1). 1 of the submissions does not count toward it. Last evaluated 2025-06-12.

Conditions:
TNS2-related disorder. Also called: TNS2-related condition.

Allele frequency attached by ClinVar (database versions not stated): gnomAD exomes 0.00015; 1000 Genomes Project 0.00020; gnomAD 0.00020; TOPMed 0.00028; ExAC 0.00030; 1000 Genomes Project 30x 0.00031.
gnomAD v4.1: 239 of 1,467,182 alleles (0.016%); highest among the groups gnomAD compares: Admixed American, 0.092%; no homozygotes.

Submissions (2):

Labcorp Genetics (formerly Invitae), Labcorp
Classification: Likely benign. Last evaluated: 2025-06-12. Review status: criteria provided, single submitter. Criteria: Invitae Variant Classification Sherloc (09022015). Collection method: clinical testing. Allele origin: germline.

PreventionGenetics, part of Exact Sciences
Classification: Likely benign for TNS2-related condition. Last evaluated: 2020-02-14. Review status: no assertion criteria provided. Collection method: clinical testing. Allele origin: germline. Not counted in ClinVar's aggregate classification.
Comment: This variant is classified as likely benign based on ACMG/AMP sequence variant interpretation guidelines (Richards et al. 2015 PMID: 25741868, with internal and published modifications).

NM_170754.4(TNS2):c.1659G>C (p.Gly553=)

Gene: TNS2 (tensin 2; plus strand). Cytogenetic location: 12q13.13.
Variant type: single nucleotide variant.
Coding change: c.1659G>C on transcript NM_170754.4 (MANE Select); coding-DNA position 1659, G replaced by C.
Protein change: p.Gly553=; no amino-acid change (glycine 553 retained).
Molecular consequence: synonymous variant.
Genome position (GRCh38, 1-based): chr12:53,059,300, G>C. VCF-style: chr12-53059300-G-C. GRCh37 (hg19) VCF-style: chr12-53453084-G-C.
Other names: c.1689G>C (NM_015319.2); c.1659G>C, p.Gly553= (NM_001416202.1); c.1617G>C, p.Gly539= (NM_001416203.1); c.1686G>C, p.Gly562= (NM_001416204.1); c.1590G>C, p.Gly530= (NM_015319.3); c.1287G>C, p.Gly429= (NM_198316.2).
Identifiers: ClinVar variation 2140554 (VCV002140554.6), dbSNP rs557137178, ClinGen allele CA6592424.
Genomic context (GRCh38, chr12:53,059,300, plus strand): 5'-TACAGCTGCTGAACGGCAGGAGCTGGATCGCCTCCTAGGAGGCTGCGGAGTGGCCAGTGG[G>C]GGCCGGGGAGCTGGGCGCGAGACGGCCATCCTAGATGACGAAGAGCAGCCCACTGTGGGC-3'
Protein context (NP_736610.2, residues 543-563): RLLGGCGVAS[Gly553=]GRGAGRETAI